The following is an entry in ClinVar:

NM_001122769.3(LCA5):c.823C>A (p.Gln275Lys)

Gene: LCA5 (lebercilin LCA5; minus strand). Cytogenetic location: 6q14.1.
Variant type: single nucleotide variant.
Coding change: c.823C>A on transcript NM_001122769.3 (MANE Select); coding-DNA position 823, C replaced by A.
Protein change: p.Gln275Lys; replaces glutamine 275 with lysine.
Molecular consequence: missense variant.
Genome position (GRCh38, 1-based): chr6:79,493,648, G>T on the plus strand (C>A on the coding strand, the complement: LCA5 is on the minus strand). VCF-style: chr6-79493648-G-T. GRCh37 (hg19) VCF-style: chr6-80203365-G-T.
Other names: c.823C>A, p.Gln275Lys (NM_181714.4); short protein forms Q275K.
Identifiers: ClinVar variation 3895869 (VCV003895869.1).
Genomic context (GRCh38, chr6:79,493,648, plus strand): 5'-AAACAATGCAATTTAAAATACTTACCTTTAATTTGTGATATAGTCGCTGTACCTCCTTTT[G>T]AAGAACTTTATTTTCATCATGAGCCTCATATGCCCTTTTCCTTTCAGCAAGCAACTGTCG-3'
Protein context (NP_001116241.1, residues 265-285): YEAHDENKVL[Gln275Lys]KEVQRLYHKL

ClinVar aggregate classification (germline): Uncertain significance (1 of 4 stars; one submission).

Submission:

Women's Health and Genetics/Laboratory Corporation of America, LabCorp
Classification: Uncertain significance. Last evaluated: 2025-03-03. Review status: criteria provided, single submitter. Criteria: LabCorp Variant Classification Summary - May 2015. Collection method: clinical testing. Allele origin: germline.
Comment: Variant summary: LCA5 c.823C>A (p.Gln275Lys) results in a conservative amino acid change located in the Lebercilin domain (IPR028933) of the encoded protein sequence. Four of five in-silico tools predict a benign effect of the variant on protein function. The variant was absent in 251060 control chromosomes. The available data on variant occurrences in the general population are insufficient to allow any conclusion about variant significance. c.823C>A has been reported in the literature in unspecified number of individuals affected with Leber Congenital Amaurosis (Panneman_2023). These report(s) do not provide unequivocal conclusions about association of the variant with Leber Congenital Amaurosis. To our knowledge, no experimental evidence demonstrating an impact on protein function has been reported. The following publication have been ascertained in the context of this evaluation (PMID: 36819107). No submitters have cited clinical-significance assessments for this variant to ClinVar. Based on the evidence outlined above, the variant was classified as uncertain significance.

Literature cited by the submitters: PubMed 36819107.